The following is an entry in ClinVar:

ClinVar aggregate classification (germline): Likely pathogenic (1 of 4 stars; one submission).

Conditions:
CHARGE syndrome (CHARGE). Also called: Hittner Hirsch Kreh syndrome; CHARGE ASSOCIATION--COLOBOMA, HEART ANOMALY, CHOANAL ATRESIA, RETARDATION, GENITAL AND EAR ANOMALIES; Coloboma, heart anomaly, choanal atresia, retardation, genital and ear anomalies; CHARGE association; Hall-Hittner syndrome. Identifiers: Orphanet 138, MedGen C0265354, MONDO:0008965.

Submission:

Institute of Human Genetics, University of Leipzig Medical Center
Classification: Likely pathogenic for CHD7-related CHARGE syndrome. Last evaluated: 2024-08-22. Review status: criteria provided, single submitter. Criteria: ACMG Guidelines, 2015. Collection method: clinical testing. Allele origin: de novo. Inheritance: Autosomal dominant inheritance. Affected: yes.
Comment: Criteria applied: PVS1_MOD,PS2_MOD,PM2

NM_017780.4(CHD7):c.7165-1G>A

Gene: CHD7 (chromodomain helicase DNA binding protein 7; plus strand). Cytogenetic location: 8q12.2.
Variant type: single nucleotide variant.
Coding change: c.7165-1G>A on transcript NM_017780.4 (MANE Select); the canonical splice acceptor site of the intron before coding-DNA position 7165, G replaced by A.
Molecular consequence: splice acceptor variant. On other transcripts: intron variant (1).
Genome position (GRCh38, 1-based): chr8:60,856,444, G>A. VCF-style: chr8-60856444-G-A. GRCh37 (hg19) VCF-style: chr8-61769003-G-A.
Other names: c.1717-5785G>A (NM_001316690.1).
Identifiers: ClinVar variation 3359101 (VCV003359101.3).